The following is an entry in ClinVar:

NM_001145252.3(CFP):c.1259T>C (p.Met420Thr)

Gene: CFP (complement factor properdin; minus strand). Cytogenetic location: Xp11.23.
Variant type: single nucleotide variant.
Coding change: c.1259T>C on transcript NM_001145252.3 (MANE Select); coding-DNA position 1259, T replaced by C.
Protein change: p.Met420Thr; replaces methionine 420 with threonine.
Molecular consequence: missense variant.
Genome position (GRCh38, 1-based): chrX:47,624,426, A>G on the plus strand (T>C on the coding strand, the complement: CFP is on the minus strand). VCF-style: chrX-47624426-A-G. GRCh37 (hg19) VCF-style: chrX-47483825-A-G.
Other names: c.1259T>C, p.Met420Thr (NM_002621.2); short protein forms M420T.
Identifiers: ClinVar variation 3618673 (VCV003618673.2).
Genomic context (GRCh38, chrX:47,624,426, plus strand): 5'-TCACACCGTGGCAGCGGTCTCCCCCAGAAGGTCACGTTCTTCTCGCCCTGACCTTCGACC[A>G]TGGAAACGGTGGGCCTGAGGCATTAGGGGTGGGGAGGAACGGAAGGGAGAATCTCAGGGA-3'
Protein context (NP_001138724.1, residues 410-430): LLPKYPPTVS[Met420Thr]VEGQGEKNVT

ClinVar aggregate classification (germline): Uncertain significance (1 of 4 stars; one submission).

gnomAD v4.1: 30 of 1,207,342 alleles (0.0025%); highest among the groups gnomAD compares: Non-Finnish European, 0.0032%; no homozygotes.

Submission:

Labcorp Genetics (formerly Invitae), Labcorp
Classification: Uncertain significance. Last evaluated: 2024-05-23. Review status: criteria provided, single submitter. Criteria: Invitae Variant Classification Sherloc (09022015). Collection method: clinical testing. Allele origin: germline.
Comment: This sequence change replaces methionine, which is neutral and non-polar, with threonine, which is neutral and polar, at codon 420 of the CFP protein (p.Met420Thr). This variant is present in population databases (rs137980601, gnomAD 0.001%). This variant has not been reported in the literature in individuals affected with CFP-related conditions. Advanced modeling of protein sequence and biophysical properties (such as structural, functional, and spatial information, amino acid conservation, physicochemical variation, residue mobility, and thermodynamic stability) performed at Invitae indicates that this missense variant is not expected to disrupt CFP protein function with a negative predictive value of 80%. In summary, the available evidence is currently insufficient to determine the role of this variant in disease. Therefore, it has been classified as a Variant of Uncertain Significance.